The following is an entry in ClinVar:

NM_006915.3(RP2):c.161C>T (p.Pro54Leu)

Gene: RP2 (RP2 activator of ARL3 GTPase; plus strand). Cytogenetic location: Xp11.3.
Variant type: single nucleotide variant.
Coding change: c.161C>T on transcript NM_006915.3 (MANE Select); coding-DNA position 161, C replaced by T.
Protein change: p.Pro54Leu; replaces proline 54 with leucine.
Molecular consequence: missense variant.
Genome position (GRCh38, 1-based): chrX:46,853,534, C>T. VCF-style: chrX-46853534-C-T. GRCh37 (hg19) VCF-style: chrX-46712969-C-T.
Other names: short protein forms P54L.
Identifiers: ClinVar variation 2081126 (VCV002081126.4), dbSNP rs2519913794, ClinGen allele CA413038914.

ClinVar aggregate classification (germline): Uncertain significance (1 of 4 stars; one submission).

Submission:

Labcorp Genetics (formerly Invitae), Labcorp
Classification: Uncertain significance. Last evaluated: 2022-05-25. Review status: criteria provided, single submitter. Criteria: Invitae Variant Classification Sherloc (09022015). Collection method: clinical testing. Allele origin: germline.
Comment: In summary, the available evidence is currently insufficient to determine the role of this variant in disease. Therefore, it has been classified as a Variant of Uncertain Significance. Algorithms developed to predict the effect of missense changes on protein structure and function are either unavailable or do not agree on the potential impact of this missense change (SIFT: "Deleterious"; PolyPhen-2: "Possibly Damaging"; Align-GVGD: "Class C0"). This variant has not been reported in the literature in individuals affected with RP2-related conditions. This variant is not present in population databases (gnomAD no frequency). This sequence change replaces proline, which is neutral and non-polar, with leucine, which is neutral and non-polar, at codon 54 of the RP2 protein (p.Pro54Leu).